The following is an entry in ClinVar:

NM_004187.5(KDM5C):c.805C>G (p.Pro269Ala)

Gene: KDM5C (lysine demethylase 5C; minus strand). Cytogenetic location: Xp11.22.
Variant type: single nucleotide variant.
Coding change: c.805C>G on transcript NM_004187.5 (MANE Select); coding-DNA position 805, C replaced by G.
Protein change: p.Pro269Ala; replaces proline 269 with alanine.
Molecular consequence: missense variant. On other transcripts: non-coding transcript variant (3).
Genome position (GRCh38, 1-based): chrX:53,215,953, G>C on the plus strand (C>G on the coding strand, the complement: KDM5C is on the minus strand). VCF-style: chrX-53215953-G-C. GRCh37 (hg19) VCF-style: chrX-53245135-G-C.
Other names: c.805C>G (NM_004187.3, NM_004187.2); c.604C>G, p.Pro202Ala (NM_001146702.2); c.802C>G, p.Pro268Ala (NM_001282622.3, NM_001353979.2, NM_001353982.2); c.805C>G, p.Pro269Ala (NM_001353978.3, NM_001353981.2, NM_001353984.2); short protein forms P202A, P268A, P269A.
Identifiers: ClinVar variation 2504007 (VCV002504007.4), dbSNP rs2519552034, ClinGen allele CA413133276.

ClinVar aggregate classification (germline): Uncertain significance. Review status: criteria provided, multiple submitters, no conflicts (2 of 4 stars). 3 submissions from 3 submitters: Uncertain significance (3). Last evaluated 2024-06-08.

Conditions:
Spastic paraplegia. Identifiers: MedGen C0037772, HP:0001258.

Submissions (3):

Labcorp Genetics (formerly Invitae), Labcorp
Classification: Uncertain significance for Spastic paraplegia. Last evaluated: 2024-06-08. Review status: criteria provided, single submitter. Criteria: Invitae Variant Classification Sherloc (09022015). Collection method: clinical testing. Allele origin: germline.
Comment: This sequence change replaces proline, which is neutral and non-polar, with alanine, which is neutral and non-polar, at codon 269 of the KDM5C protein (p.Pro269Ala). This variant is not present in population databases (gnomAD no frequency). This variant has not been reported in the literature in individuals affected with KDM5C-related conditions. ClinVar contains an entry for this variant (Variation ID: 2504007). Advanced modeling of protein sequence and biophysical properties (such as structural, functional, and spatial information, amino acid conservation, physicochemical variation, residue mobility, and thermodynamic stability) performed at Invitae indicates that this missense variant is expected to disrupt KDM5C protein function with a positive predictive value of 95%. In summary, the available evidence is currently insufficient to determine the role of this variant in disease. Therefore, it has been classified as a Variant of Uncertain Significance.

GeneDx
Classification: Uncertain significance. Last evaluated: 2024-03-04. Review status: criteria provided, single submitter. Criteria: GeneDx Variant Classification Process June 2021. Collection method: clinical testing. Allele origin: germline. Affected: yes.
Comment: Not observed at significant frequency in large population cohorts (gnomAD); In silico analysis supports that this missense variant does not alter protein structure/function; Has not been previously published as pathogenic or benign to our knowledge

Women's Health and Genetics/Laboratory Corporation of America, LabCorp
Classification: Uncertain significance. Last evaluated: 2023-04-06. Review status: criteria provided, single submitter. Criteria: LabCorp Variant Classification Summary - May 2015. Collection method: clinical testing. Allele origin: germline.
Comment: Variant summary: KDM5C c.805C>G (p.Pro269Ala) results in a non-conservative amino acid change in the encoded protein sequence. Three of five in-silico tools predict a benign effect of the variant on protein function. The variant was absent in 183461 control chromosomes. The available data on variant occurrences in the general population are insufficient to allow any conclusion about variant significance. To our knowledge, no occurrence of c.805C>G in individuals affected with Mental Retardation, Syndromic, Claes-Jensen Type, X-Linked and no experimental evidence demonstrating its impact on protein function have been reported. No clinical diagnostic laboratories have submitted clinical-significance assessments for this variant to ClinVar after 2014. Based on the evidence outlined above, the variant was classified as uncertain significance.